The following is an entry in ClinVar:

ClinVar aggregate classification (germline): Uncertain significance (1 of 4 stars; one submission).

Conditions:
Neuropathy, hereditary sensory and autonomic, type 1C. Also called: HSAN IC; HSN IC. Identifiers: Orphanet 36386, MedGen C3150896, MONDO:0013337, OMIM 613640.

Allele frequency attached by ClinVar (database versions not stated): gnomAD exomes below 0.00001.
gnomAD v4.1: 3 of 1,614,070 alleles (0.00019%); highest among the groups gnomAD compares: Non-Finnish European, 0.00025%; no homozygotes.

Submission:

Labcorp Genetics (formerly Invitae), Labcorp
Classification: Uncertain significance for Neuropathy, hereditary sensory and autonomic, type 1C. Last evaluated: 2024-05-26. Review status: criteria provided, single submitter. Criteria: Invitae Variant Classification Sherloc (09022015). Collection method: clinical testing. Allele origin: germline.
Comment: This sequence change replaces isoleucine, which is neutral and non-polar, with valine, which is neutral and non-polar, at codon 388 of the SPTLC2 protein (p.Ile388Val). This variant is not present in population databases (gnomAD no frequency). This variant has not been reported in the literature in individuals affected with SPTLC2-related conditions. ClinVar contains an entry for this variant (Variation ID: 1470631). Advanced modeling of protein sequence and biophysical properties (such as structural, functional, and spatial information, amino acid conservation, physicochemical variation, residue mobility, and thermodynamic stability) performed at Invitae indicates that this missense variant is not expected to disrupt SPTLC2 protein function with a negative predictive value of 80%. In summary, the available evidence is currently insufficient to determine the role of this variant in disease. Therefore, it has been classified as a Variant of Uncertain Significance.

NM_004863.4(SPTLC2):c.1162A>G (p.Ile388Val)

Gene: SPTLC2 (serine palmitoyltransferase long chain base subunit 2; minus strand). Cytogenetic location: 14q24.3.
Variant type: single nucleotide variant.
Coding change: c.1162A>G on transcript NM_004863.4 (MANE Select); coding-DNA position 1162, A replaced by G.
Protein change: p.Ile388Val; replaces isoleucine 388 with valine.
Molecular consequence: missense variant.
Genome position (GRCh38, 1-based): chr14:77,555,314, T>C on the plus strand (A>G on the coding strand, the complement: SPTLC2 is on the minus strand). VCF-style: chr14-77555314-T-C. GRCh37 (hg19) VCF-style: chr14-78021657-T-C.
Other names: short protein forms I388V.
Identifiers: ClinVar variation 1470631 (VCV001470631.8), dbSNP rs2079576761, ClinGen allele CA390708371.